The following is an entry in ClinVar:

ClinVar aggregate classification (germline): Uncertain significance (1 of 4 stars; one submission).

Conditions:
Nemaline myopathy 6 (NEM6). Also called: Nemaline myopathy 6, autosomal dominant. Identifiers: Orphanet 171439, MedGen C1836472, MONDO:0012237, OMIM 609273.

Submission:

Labcorp Genetics (formerly Invitae), Labcorp
Classification: Uncertain significance for Nemaline myopathy 6. Last evaluated: 2024-04-15. Review status: criteria provided, single submitter. Criteria: Invitae Variant Classification Sherloc (09022015). Collection method: clinical testing. Allele origin: germline.
Comment: This sequence change replaces leucine, which is neutral and non-polar, with histidine, which is basic and polar, at codon 88 of the KBTBD13 protein (p.Leu88His). This variant is not present in population databases (gnomAD no frequency). This variant has not been reported in the literature in individuals affected with KBTBD13-related conditions. Advanced modeling of protein sequence and biophysical properties (such as structural, functional, and spatial information, amino acid conservation, physicochemical variation, residue mobility, and thermodynamic stability) performed at Invitae indicates that this missense variant is expected to disrupt KBTBD13 protein function with a positive predictive value of 80%. In summary, the available evidence is currently insufficient to determine the role of this variant in disease. Therefore, it has been classified as a Variant of Uncertain Significance.

NM_001101362.3(KBTBD13):c.263T>A (p.Leu88His)

Gene: KBTBD13 (kelch repeat and BTB domain containing 13; plus strand). Cytogenetic location: 15q22.31.
Variant type: single nucleotide variant.
Coding change: c.263T>A on transcript NM_001101362.3 (MANE Select); coding-DNA position 263, T replaced by A.
Protein change: p.Leu88His; replaces leucine 88 with histidine.
Molecular consequence: missense variant.
Genome position (GRCh38, 1-based): chr15:65,077,078, T>A. VCF-style: chr15-65077078-T-A. GRCh37 (hg19) VCF-style: chr15-65369416-T-A.
Other names: short protein forms L88H.
Identifiers: ClinVar variation 3649485 (VCV003649485.2).